The following is an entry in ClinVar:

ClinVar aggregate classification (germline): Uncertain significance. Review status: criteria provided, single submitter (1 of 4 stars). 2 submissions from 2 submitters: Uncertain significance (1). 1 of the submissions does not count toward it. Last evaluated 2017-10-06.

Conditions:
GPBAR1-related disorder. Also called: GPBAR1-related condition.

Allele frequency attached by ClinVar (database versions not stated): gnomAD 0.00005 and 0.00021; TOPMed 0.00008; gnomAD exomes 0.00033 and 0.00065; 1000 Genomes Project 0.00040; 1000 Genomes Project 30x 0.00047; ExAC 0.00077.

Submissions (2):

Eurofins Ntd Llc (ga)
Classification: Uncertain significance. Last evaluated: 2017-10-06. Review status: criteria provided, single submitter. Criteria: EGL Classification Definitions 2015. Collection method: clinical testing. Allele origin: germline. Observed: 1 variant allele, 1 heterozygote.

PreventionGenetics, part of Exact Sciences
Classification: Likely benign for GPBAR1-related condition. Last evaluated: 2022-10-19. Review status: no assertion criteria provided. Collection method: clinical testing. Allele origin: germline. Not counted in ClinVar's aggregate classification.
Comment: This variant is classified as likely benign based on ACMG/AMP sequence variant interpretation guidelines (Richards et al. 2015 PMID: 25741868, with internal and published modifications).

NM_170699.3(GPBAR1):c.857G>A (p.Arg286His)

Gene: GPBAR1 (G protein-coupled bile acid receptor 1; plus strand). Cytogenetic location: 2q35.
Variant type: single nucleotide variant.
Coding change: c.857G>A on transcript NM_170699.3 (MANE Select); coding-DNA position 857, G replaced by A.
Protein change: p.Arg286His; replaces arginine 286 with histidine.
Molecular consequence: missense variant.
Genome position (GRCh38, 1-based): chr2:218,263,581, G>A. VCF-style: chr2-218263581-G-A. GRCh37 (hg19) VCF-style: chr2-219128304-G-A.
Other names: c.857G>A, p.Arg286His (NM_001077191.2, NM_001077194.2, NM_001321950.2); c.857G>A (NM_001321950.1); short protein forms R286H.
Identifiers: ClinVar variation 594426 (VCV000594426.7), dbSNP rs201573186, ClinGen allele CA2102709.